The following is an entry in ClinVar:

NM_014268.4(MAPRE2):c.397-8dup

Gene: MAPRE2 (microtubule associated protein RP/EB family member 2; plus strand). Cytogenetic location: 18q12.2.
Variant type: Duplication.
Coding change: c.397-8dup on transcript NM_014268.4 (MANE Select); 8 bases into the intron before coding-DNA position 397, one base duplicated (T; older notation c.397-8dupT).
Molecular consequence: intron variant.
Genome position (GRCh38, 1-based): chr18:35,101,938, T duplicated; the last of 6 consecutive T bases (chr18:35,101,933-35,101,938); duplicating any one gives the same sequence. VCF-style (leftmost placement, unchanged base first): chr18-35101932-A-AT. GRCh37 (hg19) VCF-style: chr18-32681896-A-AT.
Other names: c.397-8dupT (NM_014268.4); c.268-8dup (NM_001143826.3); c.361-8dup (NM_001143827.3); c.238-8dup (NM_001256420.2).
Identifiers: ClinVar variation 4526055 (VCV004526055.1).
Genomic context (GRCh38, chr18:35,101,932, plus strand): 5'-ATACTGATTTCCTTTCTTTTGGGTATATACCCAAACGTGAGGTTTGTAACTCACATAGTG[A>AT]TTTTTTATTGCAGGTAATTCCAGTGGAGAAGCTAGTGAAAGGACGTTTCCAGGACAACCT-3'

ClinVar aggregate classification (germline): Likely benign (1 of 4 stars; one submission).

Submission:

Women's Health and Genetics/Laboratory Corporation of America, LabCorp
Classification: Likely benign. Last evaluated: 2025-07-09. Review status: criteria provided, single submitter. Criteria: LabCorp Variant Classification Summary - May 2015. Collection method: clinical testing. Allele origin: germline.
Comment: Variant summary: MAPRE2 c.397-8dupT alters a nucleotide located at a position not widely known to affect splicing. Consensus agreement among computation tools predict no significant impact on normal splicing. However, these predictions have yet to be confirmed by functional studies. The variant allele was found at a frequency of 0.00019 in 221736 control chromosomes. This frequency is not significantly higher than estimated for a pathogenic variant in MAPRE2 causing Symmetric Circumferential Skin Creases, Congenital, 2, allowing no conclusion about variant significance. To our knowledge, no occurrence of c.397-8dupT in individuals affected with Symmetric Circumferential Skin Creases, Congenital, 2 and no experimental evidence demonstrating its impact on protein function have been reported. No submitters have cited clinical-significance assessments for this variant to ClinVar. Based on the evidence outlined above, the variant was classified as likely benign.